The following is an entry in ClinVar:

NM_000038.6(APC):c.423-4A>G

Gene: APC (APC regulator of Wnt signaling pathway; plus strand). Cytogenetic location: 5q22.2.
Variant type: single nucleotide variant.
Coding change: c.423-4A>G on transcript NM_000038.6 (MANE Select); 4 bases into the intron before coding-DNA position 423, A replaced by G.
Molecular consequence: intron variant.
Genome position (GRCh38, 1-based): chr5:112,775,625, A>G. VCF-style: chr5-112775625-A-G. GRCh37 (hg19) VCF-style: chr5-112111322-A-G.
Other names: c.423-4A>G (NM_001354895.2, NM_001127510.3, NM_001354896.2 and 2 more transcripts); c.453-4A>G (NM_001354897.2, NM_001354902.2, NM_001127511.3); c.348-4A>G (NM_001354898.2, NM_001354904.2); c.-613-4A>G (NM_001354906.2); c.246-4A>G (NM_001354900.2, NM_001354901.2, NM_001354905.2).
Identifiers: ClinVar variation 578886 (VCV000578886.17), dbSNP rs1561477594, ClinGen allele CA891842589.

ClinVar aggregate classification (germline): Uncertain significance. Review status: criteria provided, multiple submitters, no conflicts (2 of 4 stars). 3 submissions from 3 submitters: Uncertain significance (3). Last evaluated 2026-02-03.

Conditions:
Hereditary cancer-predisposing syndrome. Also called: Neoplastic Syndromes, Hereditary; Hereditary neoplastic syndrome; Tumor predisposition; Hereditary Cancer Syndrome. Identifiers: Orphanet 140162, MedGen C0027672, MeSH D009386, MONDO:0015356.
Familial adenomatous polyposis 1 (FAP1). Also called: FAMILIAL ADENOMATOUS POLYPOSIS 1, ATTENUATED; POLYPOSIS, ADENOMATOUS INTESTINAL. Identifiers: MedGen C2713442, MONDO:0021056, OMIM 175100. Disease mechanism: loss of function.

Submissions (3):

Ambry Genetics
Classification: Uncertain significance for Hereditary cancer-predisposing syndrome. Last evaluated: 2026-02-03. Review status: criteria provided, single submitter. Criteria: Ambry Variant Classification Scheme 2023. Collection method: clinical testing. Allele origin: germline.
Comment: The c.423-4A>G intronic variant results from an A to G substitution 4 nucleotides upstream from coding exon 4 in the APC gene. This nucleotide position is well conserved in available vertebrate species. In silico splice site analysis predicts that this alteration will weaken the native splice acceptor site. Based on the available evidence, the clinical significance of this variant remains unclear.

Labcorp Genetics (formerly Invitae), Labcorp
Classification: Uncertain significance for Familial adenomatous polyposis 1. Last evaluated: 2025-09-30. Review status: criteria provided, single submitter. Criteria: Invitae Variant Classification Sherloc (09022015). Collection method: clinical testing. Allele origin: germline.
Comment: This sequence change falls in intron 4 of the APC gene. It does not directly change the encoded amino acid sequence of the APC protein. RNA analysis indicates that this variant induces altered splicing and likely results in the gain of 1 amino acid residue(s), but is expected to preserve the integrity of the reading-frame. This variant is not present in population databases (gnomAD no frequency). This variant has not been reported in the literature in individuals affected with APC-related conditions. ClinVar contains an entry for this variant (Variation ID: 578886). Studies have shown that this variant results in the activation of a cryptic splice site in intron 4 (internal data). In summary, the available evidence is currently insufficient to determine the role of this variant in disease. Therefore, it has been classified as a Variant of Uncertain Significance.

Quest Diagnostics Nichols Institute San Juan Capistrano
Classification: Uncertain significance. Last evaluated: 2023-04-04. Review status: criteria provided, single submitter. Criteria: Quest Diagnostics criteria. Collection method: clinical testing. Allele origin: unknown.
Comment: To the best of our knowledge, the variant has not been reported in the published literature. It also has not been reported in large, multi-ethnic general populations. Analysis of this variant using software algorithms for the prediction of the effect of nucleotide changes on APC mRNA splicing yielded inconclusive findings . Based on the available information, we are unable to determine the clinical significance of this variant.